The following is an entry in ClinVar:

NM_001009944.3(PKD1):c.2050A>T (p.Arg684Ter)

Gene: PKD1 (polycystin 1, transient receptor potential channel interacting; minus strand). Cytogenetic location: 16p13.3.
Variant type: single nucleotide variant.
Coding change: c.2050A>T on transcript NM_001009944.3 (MANE Select); coding-DNA position 2050, A replaced by T.
Protein change: p.Arg684Ter; replaces arginine 684 with a stop codon.
Molecular consequence: nonsense.
Genome position (GRCh38, 1-based): chr16:2,115,425, T>A on the plus strand (A>T on the coding strand, the complement: PKD1 is on the minus strand). VCF-style: chr16-2115425-T-A. GRCh37 (hg19) VCF-style: chr16-2165426-T-A.
Other names: c.2050A>T, p.Arg684Ter (NM_000296.4); short protein forms R684*.
Identifiers: ClinVar variation 2578268 (VCV002578268.1), dbSNP rs1416326519, ClinGen allele CA394389575.

ClinVar aggregate classification (germline): Pathogenic (1 of 4 stars; one submission).

Submission:

GeneDx
Classification: Pathogenic. Last evaluated: 2023-03-01. Review status: criteria provided, single submitter. Criteria: GeneDx Variant Classification Process June 2021. Collection method: clinical testing. Allele origin: germline. Affected: yes.
Comment: Nonsense variant predicted to result in protein truncation or nonsense mediated decay in a gene for which loss of function is a known mechanism of disease; Not observed at significant frequency in large population cohorts (gnomAD); This variant is associated with the following publications: (PMID: 30333007)